The following is an entry in ClinVar:

ClinVar aggregate classification (germline): Uncertain significance (1 of 4 stars; one submission).

Submission:

Ambry Genetics
Classification: Uncertain significance. Last evaluated: 2022-09-25. Review status: criteria provided, single submitter. Criteria: Ambry Variant Classification Scheme 2023. Collection method: clinical testing. Allele origin: germline.
Comment: The p.P463A variant (also known as c.1387C>G), located in coding exon 3 of the ALPK2 gene, results from a C to G substitution at nucleotide position 1387. The proline at codon 463 is replaced by alanine, an amino acid with highly similar properties. This amino acid position is conserved. In addition, this alteration is predicted to be tolerated by in silico analysis. Since supporting evidence is limited at this time, the clinical significance of this alteration remains unclear.

NM_052947.4(ALPK2):c.1387C>G (p.Pro463Ala)

Gene: ALPK2 (alpha kinase 2; minus strand). Cytogenetic location: 18q21.31.
Variant type: single nucleotide variant.
Coding change: c.1387C>G on transcript NM_052947.4 (MANE Select); coding-DNA position 1387, C replaced by G.
Protein change: p.Pro463Ala; replaces proline 463 with alanine.
Molecular consequence: missense variant.
Genome position (GRCh38, 1-based): chr18:58,579,389, G>C on the plus strand (C>G on the coding strand, the complement: ALPK2 is on the minus strand). VCF-style: chr18-58579389-G-C. GRCh37 (hg19) VCF-style: chr18-56246621-G-C.
Other names: short protein forms P463A.
Identifiers: ClinVar variation 1771430 (VCV001771430.2), dbSNP rs2051942283, ClinGen allele CA402563250.